The following is an entry in ClinVar:

NM_052905.4(FMNL2):c.896G>A (p.Arg299His)

Gene: FMNL2 (formin like 2; plus strand). Cytogenetic location: 2q23.3.
Variant type: single nucleotide variant.
Coding change: c.896G>A on transcript NM_052905.4 (MANE Select); coding-DNA position 896, G replaced by A.
Protein change: p.Arg299His; replaces arginine 299 with histidine.
Molecular consequence: missense variant.
Genome position (GRCh38, 1-based): chr2:152,607,358, G>A. VCF-style: chr2-152607358-G-A. GRCh37 (hg19) VCF-style: chr2-153463872-G-A.
Other names: short protein forms R299H.
Identifiers: ClinVar variation 2361820 (VCV002361820.4), dbSNP rs377497365, ClinGen allele CA1913664.

ClinVar aggregate classification (germline): Uncertain significance. Review status: criteria provided, multiple submitters, no conflicts (2 of 4 stars). 2 submissions from 2 submitters: Uncertain significance (2). Last evaluated 2024-07-02.

Conditions:
FMNL2-related disorder. Also called: FMNL2-related condition.

Allele frequency attached by ClinVar (database versions not stated): gnomAD exomes 0.00002; ExAC 0.00005; ESP Exome Variant Server 0.00008; gnomAD 0.00009; TOPMed 0.00011; 1000 Genomes Project 0.00020; 1000 Genomes Project 30x 0.00031.

Submissions (2):

Ambry Genetics
Classification: Uncertain significance. Last evaluated: 2024-07-02. Review status: criteria provided, single submitter. Criteria: Ambry Variant Classification Scheme 2023. Collection method: clinical testing. Allele origin: germline.

PreventionGenetics, part of Exact Sciences
Classification: Uncertain significance for FMNL2-related condition. Last evaluated: 2023-06-25. Review status: criteria provided, single submitter. Criteria: ACMG Guidelines, 2015. Collection method: clinical testing. Allele origin: germline.
Comment: The FMNL2 c.896G>A variant is predicted to result in the amino acid substitution p.Arg299His. To our knowledge, this variant has not been reported in the literature. This variant is reported in 0.037% of alleles in individuals of African descent in gnomAD, which may be too common to be casuative of disease. Although we suspect that this variant may be benign, at this time, the clinical significance of this variant is uncertain due to the absence of conclusive functional and genetic evidence.